The following is an entry in ClinVar:

ClinVar aggregate classification (germline): Uncertain significance. Review status: criteria provided, multiple submitters, no conflicts (2 of 4 stars). 2 submissions from 2 submitters: Uncertain significance (2). Last evaluated 2025-02-22.

Conditions:
Early Myoclonic Encephalopathy. Identifiers: MedGen C0270855.

Allele frequency attached by ClinVar (database versions not stated): TOPMed below 0.00001; gnomAD exomes 0.00001.
gnomAD v4.1: 4 of 1,613,942 alleles (0.00025%); highest among the groups gnomAD compares: Admixed American, 0.005%; no homozygotes.

Submissions (2):

Ambry Genetics
Classification: Uncertain significance. Last evaluated: 2025-02-22. Review status: criteria provided, single submitter. Criteria: Ambry Variant Classification Scheme 2023. Collection method: clinical testing. Allele origin: germline.

Labcorp Genetics (formerly Invitae), Labcorp
Classification: Uncertain significance for Early Myoclonic Encephalopathy. Last evaluated: 2023-06-13. Review status: criteria provided, single submitter. Criteria: Invitae Variant Classification Sherloc (09022015). Collection method: clinical testing. Allele origin: germline.
Comment: This sequence change replaces glutamic acid, which is acidic and polar, with lysine, which is basic and polar, at codon 2041 of the JMJD1C protein (p.Glu2041Lys). This variant is present in population databases (no rsID available, gnomAD 0.009%). This variant has not been reported in the literature in individuals affected with JMJD1C-related conditions. Advanced modeling of protein sequence and biophysical properties (such as structural, functional, and spatial information, amino acid conservation, physicochemical variation, residue mobility, and thermodynamic stability) performed at Invitae indicates that this missense variant is not expected to disrupt JMJD1C protein function. In summary, the available evidence is currently insufficient to determine the role of this variant in disease. Therefore, it has been classified as a Variant of Uncertain Significance.

NM_032776.3(JMJD1C):c.6121G>A (p.Glu2041Lys)

Gene: JMJD1C (jumonji domain containing 1C; minus strand). Cytogenetic location: 10q21.3.
Variant type: single nucleotide variant.
Coding change: c.6121G>A on transcript NM_032776.3 (MANE Select); coding-DNA position 6121, G replaced by A.
Protein change: p.Glu2041Lys; replaces glutamic acid 2041 with lysine.
Molecular consequence: missense variant. On other transcripts: non-coding transcript variant (1).
Genome position (GRCh38, 1-based): chr10:63,191,064, C>T on the plus strand (G>A on the coding strand, the complement: JMJD1C is on the minus strand). VCF-style: chr10-63191064-C-T. GRCh37 (hg19) VCF-style: chr10-64950824-C-T.
Other names: c.6121G>A (NM_032776.1); c.5575G>A, p.Glu1859Lys (NM_001282948.2, NM_001318154.2); c.5257G>A, p.Glu1753Lys (NM_001318153.2); c.6007G>A, p.Glu2003Lys (NM_001322252.2); c.5464G>A, p.Glu1822Lys (NM_001322254.2, NM_001322258.2); short protein forms E1822K, E1859K, E2003K, E2041K, E1753K.
Identifiers: ClinVar variation 2726619 (VCV002726619.4), dbSNP rs1226263650, ClinGen allele CA377025084.